The following is an entry in ClinVar:

NM_001943.5(DSG2):c.691-1G>A

Gene: DSG2 (desmoglein 2; plus strand). Cytogenetic location: 18q12.1.
Variant type: single nucleotide variant.
Coding change: c.691-1G>A on transcript NM_001943.5 (MANE Select); the canonical splice acceptor site of the intron before coding-DNA position 691, G replaced by A.
Molecular consequence: splice acceptor variant.
Genome position (GRCh38, 1-based): chr18:31,524,447, G>A. VCF-style: chr18-31524447-G-A. GRCh37 (hg19) VCF-style: chr18-29104410-G-A.
Identifiers: ClinVar variation 466350 (VCV000466350.7), dbSNP rs1555671441, ClinGen allele CA402134823.
Genomic context (GRCh38, chr18:31,524,447, plus strand): 5'-AGAAAGCCAGATGTAAGAGTGACTCTTTTCACCCAGCTGGACATTTTTCATTGCTCTGCA[G>A]GAACACAGCAGCTACACTTTGACAGTAGAAGCAAGAGATGGCAATGGAGAAGTTACAGAC-3'

ClinVar aggregate classification (germline): Likely pathogenic (1 of 4 stars; one submission).

Conditions:
Arrhythmogenic right ventricular dysplasia 10. Also called: Arrhythmogenic right ventricular dysplasia/cardiomyopathy, type 10; Arrhythmogenic Right Ventricular Dysplasia/Cardiomyopathy10; ARRHYTHMOGENIC RIGHT VENTRICULAR DYSPLASIA, FAMILIAL, 10. Identifiers: MedGen C1857777, MONDO:0012434, OMIM 610193.

Submission:

Labcorp Genetics (formerly Invitae), Labcorp
Classification: Likely pathogenic for Arrhythmogenic right ventricular dysplasia 10. Last evaluated: 2022-03-18. Review status: criteria provided, single submitter. Criteria: Invitae Variant Classification Sherloc (09022015). Collection method: clinical testing. Allele origin: germline.
Comment: Algorithms developed to predict the effect of sequence changes on RNA splicing suggest that this variant may disrupt the consensus splice site. ClinVar contains an entry for this variant (Variation ID: 466350). This variant has not been reported in the literature in individuals affected with DSG2-related conditions. This variant is not present in population databases (gnomAD no frequency). This sequence change affects an acceptor splice site in intron 6 of the DSG2 gene. It is expected to disrupt RNA splicing. Variants that disrupt the donor or acceptor splice site typically lead to a loss of protein function (PMID: 16199547), and loss-of-function variants in DSG2 are known to be pathogenic (PMID: 17105751, 31386562). In summary, the currently available evidence indicates that the variant is pathogenic, but additional data are needed to prove that conclusively. Therefore, this variant has been classified as Likely Pathogenic.

Literature cited by the submitters: PubMed 16199547; PubMed 17105751; PubMed 31386562.